The following is an entry in ClinVar:

NM_004336.5(BUB1):c.2224T>C (p.Trp742Arg)

Gene: BUB1 (BUB1 mitotic checkpoint serine/threonine kinase; minus strand). Cytogenetic location: 2q13.
Variant type: single nucleotide variant.
Coding change: c.2224T>C on transcript NM_004336.5 (MANE Select); coding-DNA position 2224, T replaced by C.
Protein change: p.Trp742Arg; replaces tryptophan 742 with arginine.
Molecular consequence: missense variant.
Genome position (GRCh38, 1-based): chr2:110,649,357, A>G on the plus strand (T>C on the coding strand, the complement: BUB1 is on the minus strand). VCF-style: chr2-110649357-A-G. GRCh37 (hg19) VCF-style: chr2-111406934-A-G.
Other names: c.2164T>C, p.Trp722Arg (NM_001278616.2); c.2224T>C, p.Trp742Arg (NM_001278617.2); short protein forms W722R, W742R.
Identifiers: ClinVar variation 4809466 (VCV004809466.1).
Genomic context (GRCh38, chr2:110,649,357, plus strand): 5'-GATAGGAACTCACTGGTTTAGAAAGCCCAGATAAAAGTTTGAAAATCAGCTTATCATCCC[A>G]TGGGTTCCCAACAATGAAGTCTTAAAGGAATGAGAAAAAAAAAAAAAAAGGGAACATGAA-3'
Protein context (NP_004327.1, residues 732-752): DAPNFIVGNP[Trp742Arg]DDKLIFKLLS

ClinVar aggregate classification (germline): Uncertain significance (1 of 4 stars; one submission).

gnomAD v4.1: 31 of 1,602,758 alleles (0.0019%); highest among the groups gnomAD compares: Admixed American, 0.051%; no homozygotes.

Submission:

Labcorp Genetics (formerly Invitae), Labcorp
Classification: Uncertain significance. Last evaluated: 2025-03-03. Review status: criteria provided, single submitter. Criteria: Invitae Variant Classification Sherloc (09022015). Collection method: clinical testing. Allele origin: germline.
Comment: This sequence change replaces tryptophan, which is neutral and slightly polar, with arginine, which is basic and polar, at codon 742 of the BUB1 protein (p.Trp742Arg). This variant is present in population databases (rs769202464, gnomAD 0.07%), and has an allele count higher than expected for a pathogenic variant. This variant has not been reported in the literature in individuals affected with BUB1-related conditions. Experimental studies and prediction algorithms are not available or were not evaluated, and the functional significance of this variant is currently unknown. In summary, the available evidence is currently insufficient to determine the role of this variant in disease. Therefore, it has been classified as a Variant of Uncertain Significance.